The following is an entry in ClinVar:

NM_032776.3(JMJD1C):c.4123G>A (p.Val1375Ile)

Gene: JMJD1C (jumonji domain containing 1C; minus strand). Cytogenetic location: 10q21.3.
Variant type: single nucleotide variant.
Coding change: c.4123G>A on transcript NM_032776.3 (MANE Select); coding-DNA position 4123, G replaced by A.
Protein change: p.Val1375Ile; replaces valine 1375 with isoleucine.
Molecular consequence: missense variant. On other transcripts: non-coding transcript variant (1).
Genome position (GRCh38, 1-based): chr10:63,207,546, C>T on the plus strand (G>A on the coding strand, the complement: JMJD1C is on the minus strand). VCF-style: chr10-63207546-C-T. GRCh37 (hg19) VCF-style: chr10-64967306-C-T.
Other names: c.3577G>A, p.Val1193Ile (NM_001282948.2, NM_001318154.2); c.3259G>A, p.Val1087Ile (NM_001318153.2); c.4009G>A, p.Val1337Ile (NM_001322252.2); c.3466G>A, p.Val1156Ile (NM_001322254.2, NM_001322258.2); short protein forms V1375I, V1193I, V1087I, V1156I, V1337I.
Identifiers: ClinVar variation 2118564 (VCV002118564.4), dbSNP rs2492678652, ClinGen allele CA377038453.

ClinVar aggregate classification (germline): Uncertain significance (1 of 4 stars; one submission).

Conditions:
Early Myoclonic Encephalopathy. Identifiers: MedGen C0270855.

Submission:

Labcorp Genetics (formerly Invitae), Labcorp
Classification: Uncertain significance for Early Myoclonic Encephalopathy. Last evaluated: 2022-03-27. Review status: criteria provided, single submitter. Criteria: Invitae Variant Classification Sherloc (09022015). Collection method: clinical testing. Allele origin: germline.
Comment: This variant has not been reported in the literature in individuals affected with JMJD1C-related conditions. This variant is not present in population databases (gnomAD no frequency). This sequence change replaces valine, which is neutral and non-polar, with isoleucine, which is neutral and non-polar, at codon 1375 of the JMJD1C protein (p.Val1375Ile). Algorithms developed to predict the effect of missense changes on protein structure and function (SIFT, PolyPhen-2, Align-GVGD) all suggest that this variant is likely to be tolerated. In summary, the available evidence is currently insufficient to determine the role of this variant in disease. Therefore, it has been classified as a Variant of Uncertain Significance.